The following is an entry in ClinVar:

ClinVar aggregate classification (germline): Benign/Likely benign. Review status: criteria provided, multiple submitters, no conflicts (2 of 4 stars). 3 submissions from 3 submitters: Benign (1); Likely benign (2). Last evaluated 2025-05-15.

Conditions:
Hereditary cancer-predisposing syndrome. Also called: Neoplastic Syndromes, Hereditary; Hereditary neoplastic syndrome; Hereditary Cancer Syndrome; Tumor predisposition. Identifiers: Orphanet 140162, MedGen C0027672, MeSH D009386, MONDO:0015356.
Tuberous sclerosis 2 (TSC2). Identifiers: Orphanet 805, MedGen C1860707, MONDO:0013199, OMIM 613254.

Submissions (3):

Myriad Genetics, Inc.
Classification: Benign for Tuberous sclerosis 2. Last evaluated: 2025-05-15. Review status: criteria provided, single submitter. Criteria: Myriad Autosomal Dominant, Autosomal Recessive and X-Linked Classification Criteria (2023). Collection method: clinical testing. Allele origin: unknown.
Comment: This variant is considered benign. This variant is a silent/synonymous amino acid change and it is not expected to impact splicing.

Ambry Genetics
Classification: Likely benign for Hereditary cancer-predisposing syndrome. Last evaluated: 2023-10-10. Review status: criteria provided, single submitter. Criteria: Ambry Variant Classification Scheme 2023. Collection method: clinical testing. Allele origin: germline.

Labcorp Genetics (formerly Invitae), Labcorp
Classification: Likely benign for Tuberous sclerosis 2. Last evaluated: 2020-02-14. Review status: criteria provided, single submitter. Criteria: Invitae Variant Classification Sherloc (09022015). Collection method: clinical testing. Allele origin: germline.

NM_000548.5(TSC2):c.1692C>T (p.Val564=)

Gene: TSC2 (TSC complex subunit 2; plus strand). Cytogenetic location: 16p13.3.
Variant type: single nucleotide variant.
Coding change: c.1692C>T on transcript NM_000548.5 (MANE Select); coding-DNA position 1692, C replaced by T.
Protein change: p.Val564=; no amino-acid change (valine 564 retained).
Molecular consequence: synonymous variant.
Genome position (GRCh38, 1-based): chr16:2,065,611, C>T. VCF-style: chr16-2065611-C-T. GRCh37 (hg19) VCF-style: chr16-2115612-C-T.
Other names: c.1692C>T, p.Val564= (NM_001077183.3, NM_001114382.3, NM_001363528.2 and 3 more transcripts); c.1581C>T, p.Val527= (NM_001318827.2); c.1545C>T, p.Val515= (NM_001318829.2); c.1092C>T, p.Val364= (NM_001318831.2); c.1725C>T, p.Val575= (NM_001318832.2); c.1692C>T (NM_000548.3).
Identifiers: ClinVar variation 1084512 (VCV001084512.11), dbSNP rs2151210021, ClinGen allele CA492947912.